The following is an entry in ClinVar:

NM_139076.3(ABRAXAS1):c.1049A>C (p.Asp350Ala)

Gene: ABRAXAS1 (abraxas 1, BRCA1 A complex subunit; minus strand). Cytogenetic location: 4q21.23.
Variant type: single nucleotide variant.
Coding change: c.1049A>C on transcript NM_139076.3 (MANE Select); coding-DNA position 1049, A replaced by C.
Protein change: p.Asp350Ala; replaces aspartic acid 350 with alanine.
Molecular consequence: missense variant.
Genome position (GRCh38, 1-based): chr4:83,462,650, T>G on the plus strand (A>C on the coding strand, the complement: ABRAXAS1 is on the minus strand). VCF-style: chr4-83462650-T-G. GRCh37 (hg19) VCF-style: chr4-84383803-T-G.
Other names: c.722A>C, p.Asp241Ala (NM_001345962.2); short protein forms D241A, D350A.
Identifiers: ClinVar variation 1799827 (VCV001799827.2), dbSNP rs2529418412, ClinGen allele CA357255369.

ClinVar aggregate classification (germline): Uncertain significance (1 of 4 stars; one submission).

Submission:

Ambry Genetics
Classification: Uncertain significance. Last evaluated: 2021-11-17. Review status: criteria provided, single submitter. Criteria: Ambry Variant Classification Scheme 2023. Collection method: clinical testing. Allele origin: germline.
Comment: The p.D350A variant (also known as c.1049A>C), located in coding exon 9 of the FAM175A gene, results from an A to C substitution at nucleotide position 1049. The aspartic acid at codon 350 is replaced by alanine, an amino acid with dissimilar properties. This amino acid position is conserved. In addition, this alteration is predicted to be tolerated by in silico analysis. Since supporting evidence is limited at this time, the clinical significance of this alteration remains unclear.